The following is an entry in ClinVar:

NM_000138.5(FBN1):c.2669G>A (p.Cys890Tyr)

Gene: FBN1 (fibrillin 1; minus strand). Cytogenetic location: 15q21.1.
Variant type: single nucleotide variant.
Coding change: c.2669G>A on transcript NM_000138.5 (MANE Select); coding-DNA position 2669, G replaced by A.
Protein change: p.Cys890Tyr; replaces cysteine 890 with tyrosine.
Molecular consequence: missense variant.
Genome position (GRCh38, 1-based): chr15:48,495,131, C>T on the plus strand (G>A on the coding strand, the complement: FBN1 is on the minus strand). VCF-style: chr15-48495131-C-T. GRCh37 (hg19) VCF-style: chr15-48787328-C-T.
Other names: NM_000138.5(FBN1):c.2669G>A; p.Cys890Tyr; short protein forms C890Y.
Identifiers: ClinVar variation 431935 (VCV000431935.11), dbSNP rs1555399144, ClinGen allele CA392331935.

ClinVar aggregate classification (germline): Likely pathogenic. Review status: reviewed by expert panel (3 of 4 stars). 6 submissions from 6 submitters: Likely pathogenic (1). 5 of the submissions do not count toward it. Last evaluated 2023-06-15.

Conditions:
Connective tissue disorder. Also called: Connective tissue disease. Identifiers: MedGen C0009782, MONDO:0003900.
Progeroid and marfanoid aspect-lipodystrophy syndrome. Also called: MARFANOID-PROGEROID SYNDROME; MARFAN-PROGEROID-LIPODYSTROPHY SYNDROME; Marfan lipodystrophy syndrome; MARFANOID-PROGEROID-LIPODYSTROPHY SYNDROME. Identifiers: Orphanet 300382, MedGen C4310796, MONDO:0014831, OMIM 616914.
Marfan syndrome (MFS). Also called: MARFAN SYNDROME, TYPE I; FBN1-Related Marfan Syndrome; Marfan syndrome type 1; Marfan's syndrome; Marfan syndrome, classic. Identifiers: Orphanet 284963, Orphanet 558, MedGen C0024796, MONDO:0007947, OMIM 154700.
Familial thoracic aortic aneurysm and aortic dissection (TAAD). Also called: Thoracic aortic aneurysms and dissections. Identifiers: Orphanet 91387, MedGen C4707243, MONDO:0019625.

Submissions (6):

ClinGen FBN1 Variant Curation Expert Panel, ClinGen
Classification: Likely pathogenic for Marfan syndrome. Last evaluated: 2023-06-15. Review status: reviewed by expert panel. Criteria: Assertion Criteria VCEP FBN1 Version 1. Collection method: curation. Allele origin: germline. Inheritance: Autosomal dominant inheritance.
Comment: The NM_000138 c.2669G>A variant is a missense variant in FBN1 predicted to cause a substitution of cysteine by tyrosine at amino acid position 890. This variant has not been reported in the literature but was identified at one institution as de novo in proband with ectopia lentis and a systemic score of 2 (PP4, PM6; UZG). This variant has also been reported four times in ClinVar, with two classifications of likely pathogenic and two classifications of pathogenic (Variation ID: 431935). It is not present in gnomAD v2.1.1 or 3.1.2 (PM2_supporting). This variant affects a cysteine residue in the hybrid 2 domain; cysteine residues in the hybrid domains are believed to be important for proper protein folding (PM1). Computational prediction tools and conservation analysis support that this variant may impact the protein (PP3; REVEL = 0.926). The constraint z-score for missense variants affecting FBN1 is 5.06 (PP2). Three other missense variants at the same amino acid position (p.Cys890Arg, p.Cys890Gly, p.Cys890Trp) have been identified and are classified as likely pathogenic (PM5; PMIDs: 12938084, 16222657, 20564469). In summary, this variant meets criteria to be classified as likely pathogenic for Marfan syndrome based on the ACMG/AMP criteria applied, as specified by the ClinGen FBN1 VCEP: PM1, PM5, PM6, PM2_supporting, PP2, PP3, PP4.

Labcorp Genetics (formerly Invitae), Labcorp
Classification: Pathogenic for Marfan syndrome; Familial thoracic aortic aneurysm and aortic dissection. Last evaluated: 2024-02-18. Review status: criteria provided, single submitter. Criteria: Invitae Variant Classification Sherloc (09022015). Collection method: clinical testing. Allele origin: germline. Not counted in ClinVar's aggregate classification.
Comment: This sequence change replaces cysteine, which is neutral and slightly polar, with tyrosine, which is neutral and polar, at codon 890 of the FBN1 protein (p.Cys890Tyr). This variant is not present in population databases (gnomAD no frequency). This variant has not been reported in the literature in individuals affected with FBN1-related conditions. ClinVar contains an entry for this variant (Variation ID: 431935). Advanced modeling of protein sequence and biophysical properties (such as structural, functional, and spatial information, amino acid conservation, physicochemical variation, residue mobility, and thermodynamic stability) performed at Invitae indicates that this missense variant is expected to disrupt FBN1 protein function with a positive predictive value of 95%. This variant affects a cysteine residue in the EGF-like, TGFBP or hybrid motif domains of FBN1. Cysteine residues are believed to be involved in intramolecular disulfide bridges and have been shown to be important for FBN1 protein structure (PMID: 16905551, 19349279). In addition, missense substitutions affecting cysteine residues within these domains are significantly overrepresented among patients with Marfan syndrome (PMID: 16571647, 17701892). This variant disrupts the p.Cys890 amino acid residue in FBN1. Other variant(s) that disrupt this residue have been observed in individuals with FBN1-related conditions (PMID: 7622614, 16222657, 20564469, 33824467), which suggests that this may be a clinically significant amino acid residue. For these reasons, this variant has been classified as Pathogenic.

Genome Diagnostics Laboratory, The Hospital for Sick Children
Classification: Pathogenic for Connective tissue disorder. Last evaluated: 2021-08-19. Review status: criteria provided, single submitter. Criteria: ACMG Guidelines, 2015. Collection method: clinical testing. Allele origin: germline. Not counted in ClinVar's aggregate classification.

GeneDx
Classification: Pathogenic. Last evaluated: 2018-10-03. Review status: criteria provided, single submitter. Criteria: GeneDx Variant Classification (06012015). Collection method: clinical testing. Allele origin: germline. Affected: yes. Not counted in ClinVar's aggregate classification.
Comment: The pathogenic C890Y variant in the FBN1 gene has not been published as a pathogenic variant, nor has it beenreported as a benign variant to our knowledge. However, different missense variants affecting the same residue(C890R, C890G, C890W) have been reported in the literature in association with Marfan syndrome and ectopia lentis(Kielty et al., 1995; Arbustini et al., 2005; Aragon-Martin et al., 2010. This variant was not observed inapproximately 6,500 individuals of European and African American ancestry in the NHLBI Exome SequencingProject, indicating it is not a common benign variant in these populations. The C890Y variant is a non-conservativeamino acid substitution, which is likely to impact secondary protein structure as these residues differ in polarity,charge, size and/or other properties. This substitution occurs at a position that is conserved across species and insilico analysis predicts this variant is probably damaging to the protein structure/function. In addition, the C890Yvariant is located within the TB4 domain of the FBN1 gene and is predicted to disrupt disulfide bonding with residueC876. Furthermore, missense variants in nearby residues (A882V, C887Y, C896Y) have been reported in the HumanGene Mutation Database in association with Marfan syndrome (Stenson et al., 2014), further supporting the functionalimportance of this region of the protein. In summary, C890Y in the FBN1 gene is interpreted as a pathogenic variant.

Centre for Mendelian Genomics, University Medical Centre Ljubljana
Classification: Likely pathogenic for Progeroid and marfanoid aspect-lipodystrophy syndrome. Last evaluated: 2016-01-01. Review status: criteria provided, single submitter. Criteria: ACMG Guidelines, 2015. Collection method: clinical testing. Allele origin: unknown. Affected: yes. Not counted in ClinVar's aggregate classification.
Comment: This variant was classified as: Likely pathogenic.

Center for Medical Genetics Ghent, University of Ghent
Classification: Likely pathogenic for Marfan syndrome. Last evaluated: 2017-11-07. Review status: no assertion criteria provided. Collection method: clinical testing. Allele origin: de novo. Affected: yes. Not counted in ClinVar's aggregate classification.

Literature cited by the submitters: PubMed 16905551 (cited by Labcorp Genetics (formerly Invitae), Labcorp); PubMed 19349279 (cited by Labcorp Genetics (formerly Invitae), Labcorp); PubMed 16571647 (cited by Labcorp Genetics (formerly Invitae), Labcorp); PubMed 17701892 (cited by Labcorp Genetics (formerly Invitae), Labcorp); PubMed 7622614 (cited by Labcorp Genetics (formerly Invitae), Labcorp); PubMed 16222657 (cited by Labcorp Genetics (formerly Invitae), Labcorp); PubMed 20564469 (cited by Labcorp Genetics (formerly Invitae), Labcorp); PubMed 33824467 (cited by Labcorp Genetics (formerly Invitae), Labcorp).